The following is an entry in ClinVar:

NM_000170.3(GLDC):c.1659T>G (p.Ile553Met)

Gene: GLDC (glycine decarboxylase; minus strand). Cytogenetic location: 9p24.1.
Variant type: single nucleotide variant.
Coding change: c.1659T>G on transcript NM_000170.3 (MANE Select); coding-DNA position 1659, T replaced by G.
Protein change: p.Ile553Met; replaces isoleucine 553 with methionine.
Molecular consequence: missense variant.
Genome position (GRCh38, 1-based): chr9:6,588,624, A>C on the plus strand (T>G on the coding strand, the complement: GLDC is on the minus strand). VCF-style: chr9-6588624-A-C. GRCh37 (hg19) VCF-style: chr9-6588624-A-C.
Other names: short protein forms I553M.
Identifiers: ClinVar variation 1375450 (VCV001375450.4), dbSNP rs763489615, ClinGen allele CA4980600.

ClinVar aggregate classification (germline): Uncertain significance (1 of 4 stars; one submission).

Conditions:
Glycine encephalopathy. Also called: Nonketotic hyperglycinemia; Non-ketotic hyperglycinemia. Identifiers: Orphanet 407, MedGen C0751748, MONDO:0011612, HP:0008288.

Allele frequency attached by ClinVar (database versions not stated): gnomAD 0.00001; gnomAD exomes 0.00001 and 0.00004; TOPMed 0.00001; ExAC 0.00003.
gnomAD v4.1: 18 of 1,607,472 alleles (0.0011%); highest among the groups gnomAD compares: Admixed American, 0.017%; no homozygotes.

Submission:

Labcorp Genetics (formerly Invitae), Labcorp
Classification: Uncertain significance for Glycine encephalopathy. Last evaluated: 2026-02-02. Review status: criteria provided, single submitter. Criteria: Invitae Variant Classification Sherloc (09022015). Collection method: clinical testing. Allele origin: germline.
Comment: This sequence change replaces isoleucine, which is neutral and non-polar, with methionine, which is neutral and non-polar, at codon 553 of the GLDC protein (p.Ile553Met). This variant is present in population databases (rs763489615, gnomAD 0.03%). This variant has not been reported in the literature in individuals affected with GLDC-related conditions. ClinVar contains an entry for this variant (Variation ID: 1375450). Invitae Evidence Modeling of protein sequence and biophysical properties (such as structural, functional, and spatial information, amino acid conservation, physicochemical variation, residue mobility, and thermodynamic stability) indicates that this missense variant is not expected to disrupt GLDC protein function with a negative predictive value of 80%. In summary, the available evidence is currently insufficient to determine the role of this variant in disease. Therefore, it has been classified as a Variant of Uncertain Significance.